The following is an entry in ClinVar:

NM_147127.5(EVC2):c.3205C>T (p.Gln1069Ter)

Gene: EVC2 (EvC ciliary complex subunit 2; minus strand). Cytogenetic location: 4p16.2.
Variant type: single nucleotide variant.
Coding change: c.3205C>T on transcript NM_147127.5 (MANE Select); coding-DNA position 3205, C replaced by T.
Protein change: p.Gln1069Ter; replaces glutamine 1069 with a stop codon.
Molecular consequence: nonsense.
Genome position (GRCh38, 1-based): chr4:5,576,307, G>A on the plus strand (C>T on the coding strand, the complement: EVC2 is on the minus strand). VCF-style: chr4-5576307-G-A. GRCh37 (hg19) VCF-style: chr4-5578034-G-A.
Other names: c.2965C>T, p.Gln989Ter (NM_001166136.2); short protein forms Q989*, Q1069*.
Identifiers: ClinVar variation 647337 (VCV000647337.7), dbSNP rs144167138, ClinGen allele CA2834418.

ClinVar aggregate classification (germline): Pathogenic (1 of 4 stars; one submission).

Conditions:
Curry-Hall syndrome (WAD). Also called: WEYERS ACRODENTAL DYSOSTOSIS. Identifiers: Orphanet 952, MedGen C0457013, MONDO:0008673, OMIM 193530.
Ellis-van Creveld syndrome (EVC). Also called: Chondroectodermal dysplasia; MESOECTODERMAL DYSPLASIA; EVC-Related Ellis-van Creveld Syndrome; EVC2-Related Ellis-van Creveld Syndrome. Identifiers: Orphanet 289, MedGen C0013903, MONDO:0009162, OMIM 225500.

Allele frequency attached by ClinVar (database versions not stated): gnomAD exomes below 0.00001; TOPMed below 0.00001; ExAC 0.00001; gnomAD 0.00001; ESP Exome Variant Server 0.00008.
gnomAD v4.1: 1 of 1,614,062 alleles (0.000062%); highest among the groups gnomAD compares: African/African-American, 0.0013%; no homozygotes.

Submission:

Labcorp Genetics (formerly Invitae), Labcorp
Classification: Pathogenic for Curry-Hall syndrome; Ellis-van Creveld syndrome. Last evaluated: 2018-11-15. Review status: criteria provided, single submitter. Criteria: Invitae Variant Classification Sherloc (09022015). Collection method: clinical testing. Allele origin: germline.
Comment: For these reasons, this variant has been classified as Pathogenic. This sequence change creates a premature translational stop signal (p.Gln1069*) in the EVC2 gene. It is expected to result in an absent or disrupted protein product. This variant is present in population databases (rs144167138, ExAC 0.01%). This variant has not been reported in the literature in individuals with EVC2-related disease. Algorithms developed to predict the effect of sequence changes on RNA splicing suggest that this variant may create or strengthen a splice site, but this prediction has not been confirmed by published transcriptional studies. Loss-of-function variants in EVC2 are known to be pathogenic (PMID: 17024374, 19810119, 19876929).

Literature cited by the submitters: PubMed 17024374; PubMed 19810119; PubMed 19876929.